The following is an entry in ClinVar:

ClinVar aggregate classification (germline): Uncertain significance (1 of 4 stars; one submission).

Conditions:
RASopathy. Also called: rasopathies; Noonan spectrum disorder. Identifiers: Orphanet 536391, MedGen C5555857, MONDO:0021060.

Allele frequency attached by ClinVar (database versions not stated): ExAC 0.00001; gnomAD exomes below 0.00001.
gnomAD v4.1: 2 of 1,612,704 alleles (0.00012%); highest among the groups gnomAD compares: Non-Finnish European, 0.00017%; no homozygotes.

Submission:

Labcorp Genetics (formerly Invitae), Labcorp
Classification: Uncertain significance for RASopathy. Last evaluated: 2025-08-07. Review status: criteria provided, single submitter. Criteria: Invitae Variant Classification Sherloc (09022015). Collection method: clinical testing. Allele origin: germline.
Comment: This sequence change falls in intron 4 of the KRAS gene. It does not directly change the encoded amino acid sequence of the KRAS protein. It affects a nucleotide within the consensus splice site. This variant is present in population databases (rs762047595, gnomAD 0.006%). This variant has not been reported in the literature in individuals affected with KRAS-related conditions. ClinVar contains an entry for this variant (Variation ID: 3023757). Variants that disrupt the consensus splice site are a relatively common cause of aberrant splicing (PMID: 17576681, 9536098). Algorithms developed to predict the effect of sequence changes on RNA splicing suggest that this variant is not likely to affect RNA splicing. In summary, the available evidence is currently insufficient to determine the role of this variant in disease. Therefore, it has been classified as a Variant of Uncertain Significance.

Literature cited by the submitters: PubMed 17576681; PubMed 9536098.

NM_004985.5(KRAS):c.450+3A>G

Gene: KRAS (KRAS proto-oncogene, GTPase; minus strand). Cytogenetic location: 12p12.1.
Variant type: single nucleotide variant.
Coding change: c.450+3A>G on transcript NM_004985.5 (MANE Select); 3 bases into the intron after coding-DNA position 450, A replaced by G.
Molecular consequence: intron variant.
Genome position (GRCh38, 1-based): chr12:25,225,611, T>C on the plus strand (A>G on the coding strand, the complement: KRAS is on the minus strand). VCF-style: chr12-25225611-T-C. GRCh37 (hg19) VCF-style: chr12-25378545-T-C.
Other names: c.450+3A>G (NM_001369787.1, NM_001369786.1, NM_033360.4).
Identifiers: ClinVar variation 3023757 (VCV003023757.3), dbSNP rs762047595, ClinGen allele CA6486877.